The following is an entry in ClinVar:

ClinVar aggregate classification (germline): Likely benign. Review status: criteria provided, multiple submitters, no conflicts (2 of 4 stars). 3 submissions from 3 submitters: Likely benign (3). Last evaluated 2025-08-07.

Conditions:
Hereditary cancer-predisposing syndrome. Also called: Hereditary Cancer Syndrome; Hereditary neoplastic syndrome; Neoplastic Syndromes, Hereditary; Tumor predisposition. Identifiers: Orphanet 140162, MedGen C0027672, MeSH D009386, MONDO:0015356.

Allele frequency attached by ClinVar (database versions not stated): gnomAD 0.00003.
gnomAD v4.1: 4 of 1,612,906 alleles (0.00025%); no homozygotes.

Submissions (3):

Labcorp Genetics (formerly Invitae), Labcorp
Classification: Likely benign. Last evaluated: 2025-08-07. Review status: criteria provided, single submitter. Criteria: Invitae Variant Classification Sherloc (09022015). Collection method: clinical testing. Allele origin: germline.

Ambry Genetics
Classification: Likely benign for Hereditary cancer-predisposing syndrome. Last evaluated: 2022-09-28. Review status: criteria provided, single submitter. Criteria: Ambry Variant Classification Scheme 2023. Collection method: clinical testing. Allele origin: germline.

GeneDx
Classification: Likely benign. Last evaluated: 2016-09-01. Review status: criteria provided, single submitter. Criteria: GeneDx Variant Classification (06012015). Collection method: clinical testing. Allele origin: germline. Affected: yes.
Comment: This variant is considered likely benign or benign based on one or more of the following criteria: it is a conservative change, it occurs at a poorly conserved position in the protein, it is predicted to be benign by multiple in silico algorithms, and/or has population frequency not consistent with disease.

NM_006231.4(POLE):c.5988C>T (p.Phe1996=)

Gene: POLE (DNA polymerase epsilon, catalytic subunit; minus strand). Cytogenetic location: 12q24.33.
Variant type: single nucleotide variant.
Coding change: c.5988C>T on transcript NM_006231.4 (MANE Select); coding-DNA position 5988, C replaced by T.
Protein change: p.Phe1996=; no amino-acid change (phenylalanine 1996 retained).
Molecular consequence: synonymous variant.
Genome position (GRCh38, 1-based): chr12:132,634,202, G>A on the plus strand (C>T on the coding strand, the complement: POLE is on the minus strand). VCF-style: chr12-132634202-G-A. GRCh37 (hg19) VCF-style: chr12-133210788-G-A.
Identifiers: ClinVar variation 389030 (VCV000389030.14), dbSNP rs756828876, ClinGen allele CA16606412.
Genomic context (GRCh38, chr12:132,634,202, plus strand): 5'-AGTCCCTTCAGTGGGGGCTGCGCAGCCCTGGGCTCTGGGCTTACCTGAAACAATCATGAG[G>A]AAGTAGTTCTGGCAGGAGGCTGCCTGTGGCAAAAACTGCAAAATGTTCCAGTTGTTTTCC-3'
Protein context (NP_006222.2, residues 1986-2006): LPQAASCQNY[Phe1996=]LMIVSAYIVA